The following is an entry in ClinVar:

ClinVar aggregate classification (germline): Uncertain significance (1 of 4 stars; one submission).

Allele frequency attached by ClinVar (database versions not stated): gnomAD 0.00001; TOPMed 0.00001.
gnomAD v4.1: 2 of 1,609,982 alleles (0.00012%); highest among the groups gnomAD compares: African/African-American, 0.0027%; no homozygotes.

Submission:

Labcorp Genetics (formerly Invitae), Labcorp
Classification: Uncertain significance. Last evaluated: 2021-12-13. Review status: criteria provided, single submitter. Criteria: Invitae Variant Classification Sherloc (09022015). Collection method: clinical testing. Allele origin: germline.
Comment: This sequence change replaces phenylalanine, which is neutral and non-polar, with leucine, which is neutral and non-polar, at codon 377 of the PNPT1 protein (p.Phe377Leu). This variant is present in population databases (no rsID available, gnomAD 0.02%). This variant has not been reported in the literature in individuals affected with PNPT1-related conditions. Algorithms developed to predict the effect of missense changes on protein structure and function output the following: SIFT: "Deleterious"; PolyPhen-2: "Benign"; Align-GVGD: "Class C0". The leucine amino acid residue is found in multiple mammalian species, which suggests that this missense change does not adversely affect protein function. In summary, the available evidence is currently insufficient to determine the role of this variant in disease. Therefore, it has been classified as a Variant of Uncertain Significance.

NM_033109.5(PNPT1):c.1131T>G (p.Phe377Leu)

Gene: PNPT1 (polyribonucleotide nucleotidyltransferase 1; minus strand). Cytogenetic location: 2p16.1.
Variant type: single nucleotide variant.
Coding change: c.1131T>G on transcript NM_033109.5 (MANE Select); coding-DNA position 1131, T replaced by G.
Protein change: p.Phe377Leu; replaces phenylalanine 377 with leucine.
Molecular consequence: missense variant.
Genome position (GRCh38, 1-based): chr2:55,667,036, A>C on the plus strand (T>G on the coding strand, the complement: PNPT1 is on the minus strand). VCF-style: chr2-55667036-A-C. GRCh37 (hg19) VCF-style: chr2-55894171-A-C.
Other names: short protein forms F377L.
Identifiers: ClinVar variation 2042146 (VCV002042146.1), dbSNP rs1370033589, ClinGen allele CA346928653.